The following is an entry in ClinVar:

ClinVar aggregate classification (germline): Uncertain significance (1 of 4 stars; one submission).

Submission:

GeneDx
Classification: Uncertain significance. Last evaluated: 2022-03-21. Review status: criteria provided, single submitter. Criteria: GeneDx Variant Classification Process June 2021. Collection method: clinical testing. Allele origin: germline. Affected: yes.
Comment: Not observed at significant frequency in large population cohorts (gnomAD); In silico analysis supports that this missense variant has a deleterious effect on protein structure/function; Has not been previously published as pathogenic or benign to our knowledge

NM_006180.6(NTRK2):c.1859A>G (p.Tyr620Cys)

Gene: NTRK2 (neurotrophic receptor tyrosine kinase 2; plus strand). Cytogenetic location: 9q21.33.
Variant type: single nucleotide variant.
Coding change: c.1859A>G on transcript NM_006180.6 (MANE Select); coding-DNA position 1859, A replaced by G.
Protein change: p.Tyr620Cys; replaces tyrosine 620 with cysteine.
Molecular consequence: missense variant.
Genome position (GRCh38, 1-based): chr9:84,948,556, A>G. VCF-style: chr9-84948556-A-G. GRCh37 (hg19) VCF-style: chr9-87563471-A-G.
Other names: c.1811A>G, p.Tyr604Cys (NM_001018064.3, NM_001369532.1, NM_001369533.1); c.1775A>G, p.Tyr592Cys (NM_001369534.1); c.1343A>G, p.Tyr448Cys (NM_001369535.1); c.1391A>G, p.Tyr464Cys (NM_001369536.1); c.1859A>G, p.Tyr620Cys (NM_001381928.1); short protein forms Y448C, Y464C, Y592C, Y604C, Y620C.
Identifiers: ClinVar variation 1706972 (VCV001706972.2), dbSNP rs2132884438, ClinGen allele CA374009688.